The following is an entry in ClinVar:

NM_000414.4(HSD17B4):c.811G>A (p.Ala271Thr)

Gene: HSD17B4 (hydroxysteroid 17-beta dehydrogenase 4; plus strand). Cytogenetic location: 5q23.1.
Variant type: single nucleotide variant.
Coding change: c.811G>A on transcript NM_000414.4 (MANE Select); coding-DNA position 811, G replaced by A.
Protein change: p.Ala271Thr; replaces alanine 271 with threonine.
Molecular consequence: missense variant.
Genome position (GRCh38, 1-based): chr5:119,493,889, G>A. VCF-style: chr5-119493889-G-A. GRCh37 (hg19) VCF-style: chr5-118829584-G-A.
Other names: c.886G>A, p.Ala296Thr (NM_001199291.3); c.757G>A, p.Ala253Thr (NM_001199292.2); c.739G>A, p.Ala247Thr (NM_001292027.2); c.391G>A, p.Ala131Thr (NM_001292028.2); short protein forms A271T, A253T, A131T, A247T, A296T.
Identifiers: ClinVar variation 350463 (VCV000350463.14), dbSNP rs543710228, ClinGen allele CA3381989.
Genomic context (GRCh38, chr5:119,493,889, plus strand): 5'-CGGACTCTTGGAGCTATTGTAAGACAAAAGAATCACCCAATGACTCCTGAGGCAGTCAAG[G>A]CTAACTGGAAGAAGATCTGTGACTTTGAGAATGCCAGCAAGCCTCAGAGTATCCAAGGTA-3'
Protein context (NP_000405.1, residues 261-281): NHPMTPEAVK[Ala271Thr]NWKKICDFEN

ClinVar aggregate classification (germline): Conflicting classifications of pathogenicity. Review status: criteria provided, conflicting classifications (1 of 4 stars). 5 submissions from 4 submitters: Uncertain significance (4); Likely benign (1). Last evaluated 2025-11-13.

Conditions:
Bifunctional peroxisomal enzyme deficiency (DBIF). Also called: DBP DEFICIENCY; PBFE DEFICIENCY; D-bifunctional protein deficiency. Identifiers: Orphanet 300, MedGen C0342870, MONDO:0009855, OMIM 261515. Disease mechanism: loss of function.
Perrault syndrome. Also called: Gonadal dysgenesis with auditory dysfunction, autosomal recessive inheritance. Identifiers: Orphanet 2855, MedGen C0685838, MONDO:0017312.
Perrault syndrome 1 (PRLTS1). Also called: GONADAL DYSGENESIS, XX TYPE, WITH DEAFNESS; OVARIAN DYSGENESIS WITH SENSORINEURAL DEAFNESS. Identifiers: Orphanet 2855, Orphanet 642945, MedGen C4551721, MONDO:0009300, OMIM 233400.

Allele frequency attached by ClinVar (database versions not stated): gnomAD 0.00001 and 0.00004; TOPMed 0.00002; gnomAD exomes 0.00005; ExAC 0.00012; 1000 Genomes Project 30x 0.00016; 1000 Genomes Project 0.00020.
gnomAD v4.1: 89 of 1,613,322 alleles (0.0055%); highest among the groups gnomAD compares: South Asian, 0.082%; 1 homozygote.

Submissions (5):

Labcorp Genetics (formerly Invitae), Labcorp
Classification: Likely benign for Perrault syndrome; Bifunctional peroxisomal enzyme deficiency. Last evaluated: 2025-11-13. Review status: criteria provided, single submitter. Criteria: Invitae Variant Classification Sherloc (09022015). Collection method: clinical testing. Allele origin: germline.

GeneDx
Classification: Uncertain significance. Last evaluated: 2025-06-14. Review status: criteria provided, single submitter. Criteria: GeneDx Variant Classification Process June 2021. Collection method: clinical testing. Allele origin: germline. Affected: yes.
Comment: In silico analysis suggests that this missense variant does not alter protein structure/function; Has not been previously published as pathogenic or benign to our knowledge

Illumina Laboratory Services, Illumina
Classification: Uncertain significance for Bifunctional peroxisomal enzyme deficiency. Last evaluated: 2018-01-13. Review status: criteria provided, single submitter. Criteria: ICSL Variant Classification Criteria 13 December 2019. Collection method: clinical testing. Allele origin: germline.

Illumina Laboratory Services, Illumina
Classification: Uncertain significance for Perrault syndrome 1. Last evaluated: 2018-01-13. Review status: criteria provided, single submitter. Criteria: ICSL Variant Classification Criteria 13 December 2019. Collection method: clinical testing. Allele origin: germline.

Eurofins Ntd Llc (ga)
Classification: Uncertain significance. Last evaluated: 2017-12-13. Review status: criteria provided, single submitter. Criteria: EGL Classification Definitions 2015. Collection method: clinical testing. Allele origin: germline. Observed: 1 variant allele, 1 heterozygote.